The following is an entry in ClinVar:

ClinVar aggregate classification (germline): Uncertain significance (1 of 4 stars; one submission).

Conditions:
Ornithine carbamoyltransferase deficiency (OTCD). Also called: ORNITHINE TRANSCARBAMYLASE DEFICIENCY; ORNITHINE TRANSCARBAMYLASE DEFICIENCY, HYPERAMMONEMIA DUE TO; Ornithine Carbamoyltransferase Deficiency Disease; OTC DEFICIENCY. Identifiers: Orphanet 664, MedGen C0268542, MONDO:0010703, OMIM 311250.

Submission:

Labcorp Genetics (formerly Invitae), Labcorp
Classification: Uncertain significance for Ornithine carbamoyltransferase deficiency. Last evaluated: 2024-09-09. Review status: criteria provided, single submitter. Criteria: Invitae Variant Classification Sherloc (09022015). Collection method: clinical testing. Allele origin: germline.
Comment: This sequence change replaces serine, which is neutral and polar, with glycine, which is neutral and non-polar, at codon 228 of the OTC protein (p.Ser228Gly). This variant is not present in population databases (gnomAD no frequency). This variant has not been reported in the literature in individuals affected with OTC-related conditions. Invitae Evidence Modeling of protein sequence and biophysical properties (such as structural, functional, and spatial information, amino acid conservation, physicochemical variation, residue mobility, and thermodynamic stability) indicates that this missense variant is not expected to disrupt OTC protein function with a negative predictive value of 95%. In summary, the available evidence is currently insufficient to determine the role of this variant in disease. Therefore, it has been classified as a Variant of Uncertain Significance.

NM_000531.6(OTC):c.682A>G (p.Ser228Gly)

Gene: OTC (ornithine transcarbamylase; plus strand). Cytogenetic location: Xp11.4.
Variant type: single nucleotide variant.
Coding change: c.682A>G on transcript NM_000531.6 (MANE Select); coding-DNA position 682, A replaced by G.
Protein change: p.Ser228Gly; replaces serine 228 with glycine.
Molecular consequence: missense variant.
Genome position (GRCh38, 1-based): chrX:38,408,760, A>G. VCF-style: chrX-38408760-A-G. GRCh37 (hg19) VCF-style: chrX-38268013-A-G.
Other names: c.682A>G, p.Ser228Gly (NM_001407092.1); short protein forms S228G.
Identifiers: ClinVar variation 3634887 (VCV003634887.2).